The following is an entry in ClinVar:

ClinVar aggregate classification (germline): Uncertain significance. Review status: criteria provided, multiple submitters, no conflicts (2 of 4 stars). 2 submissions from 2 submitters: Uncertain significance (2). Last evaluated 2024-10-19.

Conditions:
Cardiovascular phenotype. Identifiers: MedGen CN230736.

Allele frequency attached by ClinVar (database versions not stated): ExAC 0.00004; gnomAD 0.00001.

Submissions (2):

Ambry Genetics
Classification: Uncertain significance for Cardiovascular phenotype. Last evaluated: 2024-10-19. Review status: criteria provided, single submitter. Criteria: Ambry Variant Classification Scheme 2023. Collection method: clinical testing. Allele origin: germline.
Comment: The p.P55L variant (also known as c.164C>T), located in coding exon 1 of the ALPK3 gene, results from a C to T substitution at nucleotide position 164. The proline at codon 55 is replaced by leucine, an amino acid with similar properties. This amino acid position is conserved. In addition, this alteration is predicted to be tolerated by in silico analysis. Based on the available evidence, the clinical significance of this variant remains unclear.

Labcorp Genetics (formerly Invitae), Labcorp
Classification: Uncertain significance. Last evaluated: 2023-05-10. Review status: criteria provided, single submitter. Criteria: Invitae Variant Classification Sherloc (09022015). Collection method: clinical testing. Allele origin: germline.
Comment: This sequence change replaces proline, which is neutral and non-polar, with leucine, which is neutral and non-polar, at codon 55 of the ALPK3 protein (p.Pro55Leu). This variant is present in population databases (rs758275836, gnomAD 0.03%). This variant has not been reported in the literature in individuals affected with ALPK3-related conditions. ClinVar contains an entry for this variant (Variation ID: 2289743). An algorithm developed to predict the effect of missense changes on protein structure and function (PolyPhen-2) suggests that this variant is likely to be disruptive. In summary, the available evidence is currently insufficient to determine the role of this variant in disease. Therefore, it has been classified as a Variant of Uncertain Significance.

NC_000015.10:g.84817010C>T

Gene: ALPK3 (alpha kinase 3; plus strand). Cytogenetic location: 15q25.3.
Variant type: single nucleotide variant.
Genome position: GRCh38 VCF-style: chr15-84817010-C-T. GRCh37 (hg19) VCF-style: chr15-85360241-C-T.
Other names: short protein forms P55L.
Identifiers: ClinVar variation 2289743 (VCV002289743.6), dbSNP rs758275836, ClinGen allele CA7708803.